The following is an entry in ClinVar:

NM_018129.4(PNPO):c.686G>A (p.Arg229Gln)

Gene: PNPO (pyridoxamine 5'-phosphate oxidase; plus strand). Cytogenetic location: 17q21.32.
Variant type: single nucleotide variant.
Coding change: c.686G>A on transcript NM_018129.4 (MANE Select); coding-DNA position 686, G replaced by A.
Protein change: p.Arg229Gln; replaces arginine 229 with glutamine.
Molecular consequence: missense variant.
Genome position (GRCh38, 1-based): chr17:47,946,682, G>A. VCF-style: chr17-47946682-G-A. GRCh37 (hg19) VCF-style: chr17-46024048-G-A.
Other names: p.R229Q:CGG>CAG; short protein forms R229Q.
Identifiers: ClinVar variation 206452 (VCV000206452.52), dbSNP rs773450573, ClinGen allele CA316568.

ClinVar aggregate classification (germline): Pathogenic/Likely pathogenic. Review status: criteria provided, multiple submitters, no conflicts (2 of 4 stars). 14 submissions from 14 submitters: Pathogenic (7); Likely pathogenic (2). 5 of the submissions do not count toward it. Last evaluated 2025-04-22.

Conditions:
PNPO-related disorder. Also called: PNPO-related condition; PNPO-related disorders.
Pyridoxal phosphate-responsive seizures (PNPOD). Also called: Pyridoxine-5'-phosphate oxidase deficiency; SEIZURES, PYRIDOXINE-RESISTANT, PLP-SENSITIVE; Pyridoxamine 5-Prime-Phosphate Oxidase Deficiency; Pyridoxal 5'-Phosphate (PLP)-Dependent Epilepsy; EPILEPTIC ENCEPHALOPATHY, NEONATAL, PNPO-RELATED. Identifiers: Orphanet 79096, MedGen C1864723, MONDO:0012407, OMIM 610090. Disease mechanism: loss of function.

Allele frequency attached by ClinVar (database versions not stated): gnomAD exomes 0.00001; ExAC 0.00002; TOPMed 0.00002; gnomAD 0.00003.
gnomAD v4.1: 26 of 1,614,078 alleles (0.0016%); highest among the groups gnomAD compares: Middle Eastern, 0.016%; no homozygotes.

Submissions (14):

Labcorp Genetics (formerly Invitae), Labcorp
Classification: Pathogenic for Pyridoxal phosphate-responsive seizures. Last evaluated: 2025-04-22. Review status: criteria provided, single submitter. Criteria: Invitae Variant Classification Sherloc (09022015). Collection method: clinical testing. Allele origin: germline.
Comment: This sequence change replaces arginine, which is basic and polar, with glutamine, which is neutral and polar, at codon 229 of the PNPO protein (p.Arg229Gln). This variant is present in population databases (rs773450573, gnomAD 0.008%). This missense change has been observed in individual(s) with PNPO related disease (PMID: 23708187, 24266778, 28133863, 28985901). ClinVar contains an entry for this variant (Variation ID: 206452). Invitae Evidence Modeling of protein sequence and biophysical properties (such as structural, functional, and spatial information, amino acid conservation, physicochemical variation, residue mobility, and thermodynamic stability) indicates that this missense variant is expected to disrupt PNPO protein function with a positive predictive value of 80%. For these reasons, this variant has been classified as Pathogenic.

Revvity Omics, Revvity
Classification: Likely pathogenic for Pyridoxal phosphate-responsive seizures. Last evaluated: 2024-08-13. Review status: criteria provided, single submitter. Criteria: ACMG Guidelines, 2015. Collection method: clinical testing. Allele origin: germline.

Fulgent Genetics
Classification: Pathogenic for Pyridoxal phosphate-responsive seizures. Last evaluated: 2024-04-09. Review status: criteria provided, single submitter. Criteria: ACMG Guidelines, 2015. Collection method: clinical testing. Allele origin: germline.

Women's Health and Genetics/Laboratory Corporation of America, LabCorp
Classification: Pathogenic for Pyridoxal phosphate-responsive seizures. Last evaluated: 2023-07-25. Review status: criteria provided, single submitter. Criteria: LabCorp Variant Classification Summary - May 2015. Collection method: clinical testing. Allele origin: germline.
Comment: Variant summary: PNPO c.686G>A (p.Arg229Gln) results in a conservative amino acid change in the encoded protein sequence. Three of four in-silico tools predict a damaging effect of the variant on protein function. The variant allele was found at a frequency of 1.2e-05 in 251476 control chromosomes (gnomAD). c.686G>A has been reported in the literature in at least two homozygous individuals affected with Pyridoxal 5'-Phosphate-Dependent Epilepsy (e.g. Ware_2013, Carvill_2013, Guerriero_2017, Olson_2017, Kingsmore_2022). These data indicate that the variant is likely to be associated with disease. At least one publication reported experimental evidence evaluating an impact on protein function, and demonstrated that the variant severely decreased enzymatic activity (both Km and Vmax) compared to the WT (Musayev_2009). The following publications have been ascertained in the context of this evaluation (PMID: 24266778, 23708187, 28985901, 28133863, 36007526, 19759001). Nine submitters have cited clinical-significance assessments for this variant to ClinVar after 2014. All submitters classified the variant as pathogenic/likely pathogenic. Based on the evidence outlined above, the variant was classified as pathogenic.

Blueprint Genetics
Classification: Pathogenic for PNPO-related disorders. Last evaluated: 2023-05-19. Review status: criteria provided, single submitter. Criteria: ACMG Guidelines, 2015. Collection method: clinical testing. Allele origin: germline. Affected: yes. Observed: 5 variant alleles.

Baylor Genetics
Classification: Pathogenic for Pyridoxal phosphate-responsive seizures. Last evaluated: 2020-02-07. Review status: criteria provided, single submitter. Criteria: ACMG Guidelines, 2015. Collection method: clinical testing. Allele origin: unknown. Affected: yes.
Comment: This variant was determined to be pathogenic according to ACMG Guidelines, 2015 [PMID:25741868].

Athena Diagnostics
Classification: Pathogenic. Last evaluated: 2019-10-28. Review status: criteria provided, single submitter. Criteria: Athena Diagnostics Criteria. Collection method: clinical testing. Allele origin: unknown.
Comment: This variant has been reported in the homozygous state in multiple families with PNPOD (PMID: 28985901, 24266778). Assessment of experimental evidence suggests this variant results in reduced catalytic efficiency (PMID: 19759001). The frequency of this variant in the general population is consistent with pathogenicity.This observation is not an independent occurrence and has been identified in the same individual by RCIGM, the other laboratory participating in the GEMINI study.

GeneDx
Classification: Pathogenic. Last evaluated: 2018-09-28. Review status: criteria provided, single submitter. Criteria: GeneDx Variant Classification (06012015). Collection method: clinical testing. Allele origin: germline. Affected: yes.
Comment: The R229Q variant in the PNPO gene has been reported previously in the homozygous state in two unrelated children with early epileptic encephalopathy and in another individual with an unspecified neurocognitive phenotype (Carvill et al., 2013; Ware et al., 2014; Yavarna et al., 2015). The R229Q variant was not observed in approximately 6,500 individuals of European and African American ancestry in the NHLBI Exome Sequencing Project, indicating it is not a common benign variant in these populations. The R229Q variant is a semi-conservative amino acid substitution, which occurs at a position that is conserved across species and lies within a region of the protein necessary for substrate binding and catalysis (Musayev et al., 2009). In silico analysis predicts this variant is probably damaging to the protein structure/function. A different missense substitution at the same position (R229W) has also been published in association with PNPO deficiency (Mills et al., 2005), supporting the functional importance of this region of the protein. We interpret R229Q as a pathogenic variant.

Royal Medical Services, Bahrain Defence Force Hospital
Classification: Likely pathogenic for Pyridoxal phosphate-responsive seizures. Review status: criteria provided, single submitter. Criteria: ACMG Guidelines, 2015. Collection method: clinical testing. Allele origin: germline. Inheritance: Autosomal recessive inheritance. Affected: yes. Observed: 1 homozygote.
Comment: The PNPO variant c.686G>A p.(Arg229Gln) causes an amino acid change from Arg to Gln at position 229. According to HGMD Professional 2020.3, this variant has previously been described as disease causing for Epileptic encephalopathy, early myoclonic by Carvill et al., 2013 (PMID: 23708187), Ware et al., 2014 (PMID: 24266778), Yavarna et al., 2015 (PMID: 26077850). ClinVar lists this variant as pathogenic (clinical testing, Variation ID: 206452) and uncertain (clinical testing, Variation ID: 206452). It is classified as likely pathogenic (class 2) according to the recommendations of CENTOGENE and ACMG.

PreventionGenetics, part of Exact Sciences
Classification: Pathogenic for PNPO-related condition. Last evaluated: 2023-12-15. Review status: no assertion criteria provided. Collection method: clinical testing. Allele origin: germline. Not counted in ClinVar's aggregate classification.
Comment: The PNPO c.686G>A variant is predicted to result in the amino acid substitution p.Arg229Gln. This variant has been reported in the homozygous state in multiple individuals with PNPO-related epilepsy (see for example, Carvill et al. 2013. PubMed ID: 23708187; Olson et al. 2017. PubMed ID: 28133863; Guerriero et al. 2017. PubMed ID: 28985901; Maron et al. 2021. PubMed ID: 33587123). This variant is reported in 0.0080% of alleles in individuals of African descent in gnomAD. A different missense variant affecting the same amino acid (p.Arg229Trp) has been associated with PNPO-related epilepsy in a family; however, the evidence was indirect (Mills et al. 2005. PubMed ID: 15772097). Taken together, the c.686G>A (p.Arg229Gln) variant is interpreted as pathogenic.

OMIM
Classification: Pathogenic for PYRIDOXAMINE 5-PRIME-PHOSPHATE OXIDASE DEFICIENCY. Last evaluated: 2022-02-09. Review status: no assertion criteria provided. Collection method: literature only. Allele origin: germline. Not counted in ClinVar's aggregate classification.

Genomic Medicine Center of Excellence, King Faisal Specialist Hospital and Research Centre
Classification: Pathogenic for Pyridoxal phosphate-responsive seizures. Last evaluated: 2021-04-29. Review status: no assertion criteria provided. Collection method: research. Allele origin: germline. Affected: yes. Not counted in ClinVar's aggregate classification.

Gene Discovery Core-Manton Center, Boston Children's Hospital
Classification: Pathogenic for Pyridoxal phosphate-responsive seizures. Last evaluated: 2020-02-14. Review status: no assertion criteria provided. Collection method: research. Allele origin: germline. Affected: yes. Not counted in ClinVar's aggregate classification.
Comment: This variant is interpretted as Pathogenic for Pyridoxamine 5'-phosphate oxidase deficiency, Austomal Recessive. PM1 - Located in a mutational hot spot and/or critical and well-established functional domain without benign variation. PM2 - Absent from controls (or at extremely low frequency if recessive) in Exome Sequencing Project, 1000 Genomes Project, or Exome Aggregation Consortium. PM5 - Novel missense change at an amino acid residue where a different missense change determined to be pathogenic has been seen before (PMID: 24645144). PP2 - Missense variant in a gene that has a low rate of benign missense variation and in which missense variants are a common mechanism of disease. PP3 - Multiple lines of computational evidence support a deleterious effect on the gene or gene product. PP5 - Reputable source recently reports variant as pathogenic, but the evidence is not available to the laboratory to perform an independent evaluation (PMID: 26077850).

Bioscientia Institut fuer Medizinische Diagnostik GmbH, Sonic Healthcare
Classification: Pathogenic for Pyridoxal phosphate-responsive seizures. Last evaluated: 2017-09-18. Review status: no assertion criteria provided. Collection method: clinical testing. Allele origin: germline. Affected: yes. Not counted in ClinVar's aggregate classification.

Literature cited by the submitters: PubMed 23708187 (cited by 3 submitters); PubMed 24266778 (cited by 3 submitters); PubMed 28133863 (cited by Labcorp Genetics (formerly Invitae), Labcorp and Women's Health and Genetics/Laboratory Corporation of America, LabCorp); PubMed 28985901 (cited by Labcorp Genetics (formerly Invitae), Labcorp and Women's Health and Genetics/Laboratory Corporation of America, LabCorp); PubMed 36007526 (cited by Women's Health and Genetics/Laboratory Corporation of America, LabCorp); PubMed 19759001 (cited by Women's Health and Genetics/Laboratory Corporation of America, LabCorp); PubMed 26077850 (cited by Royal Medical Services, Bahrain Defence Force Hospital); Ware, T. L., Earl, J., Salomons, G. S., Struys, E. A., Peters, H. L., Howell, K. B., Pitt, J. J., Freeman, J. L. Typical and atypical phenotypes of PNPO deficiency with elevated CSF and plasma pyridoxamine on treatment. Dev. Med. Child Neurol. 56: 498-502, 2014. (cited by OMIM).